The following is an entry in ClinVar:

ClinVar aggregate classification (germline): Likely benign (0 of 4 stars; one submission).

Conditions:
ESR1-related disorder. Also called: ESR1-related condition.

Allele frequency attached by ClinVar (database versions not stated): gnomAD exomes 0.00009; 1000 Genomes Project 0.00060; gnomAD 0.00013; 1000 Genomes Project 30x 0.00062; TOPMed 0.00018.
gnomAD v4.1: 139 of 1,550,452 alleles (0.009%); highest among the groups gnomAD compares: East Asian, 0.33%; 1 homozygote.

Submission:

PreventionGenetics, part of Exact Sciences
Classification: Likely benign for ESR1-related condition. Last evaluated: 2023-07-09. Review status: no assertion criteria provided. Collection method: clinical testing. Allele origin: germline.
Comment: This variant is classified as likely benign based on ACMG/AMP sequence variant interpretation guidelines (Richards et al. 2015 PMID: 25741868, with internal and published modifications).

NM_001328100.2(ESR1):c.876G>C (p.Lys292Asn)

Genes: ESR1 (estrogen receptor 1; plus strand), SYNE1 (spectrin repeat containing nuclear envelope protein 1; minus strand). Cytogenetic location: 6q25.2.
Variant type: single nucleotide variant.
Coding change: c.876G>C on transcript NM_001328100.2; coding-DNA position 876, G replaced by C.
Protein change: p.Lys292Asn; replaces lysine 292 with asparagine.
Molecular consequence: missense variant. On other transcripts: intron variant (4).
Genome position (GRCh38, 1-based): chr6:152,125,291, G>C. VCF-style: chr6-152125291-G-C. GRCh37 (hg19) VCF-style: chr6-152446426-G-C.
Other names: c.26154-2615C>G (NM_182961.4); c.26010-2615C>G (NM_033071.5); c.2701-2615C>G (NM_001347701.2); c.2688-2615C>G (NM_001347702.2); short protein forms K292N.
Identifiers: ClinVar variation 3036280 (VCV003036280.2), dbSNP rs572679653, ClinGen allele CA150191732.